The following is an entry in ClinVar:

ClinVar aggregate classification (germline): Conflicting classifications of pathogenicity. Review status: criteria provided, conflicting classifications (1 of 4 stars). 3 submissions from 3 submitters: Uncertain significance (2); Benign (1). Last evaluated 2025-11-23.

gnomAD v4.1: 45 of 1,488,452 alleles (0.003%); highest among the groups gnomAD compares: Middle Eastern, 0.017%; no homozygotes.

Submissions (3):

Labcorp Genetics (formerly Invitae), Labcorp
Classification: Benign. Last evaluated: 2025-11-23. Review status: criteria provided, single submitter. Criteria: Invitae Variant Classification Sherloc (09022015). Collection method: clinical testing. Allele origin: germline.

ARUP Laboratories, Molecular Genetics and Genomics, ARUP Laboratories
Classification: Uncertain significance. Last evaluated: 2025-05-28. Review status: criteria provided, single submitter. Criteria: ARUP Molecular Germline Variant Investigation Process 2024. Collection method: clinical testing. Allele origin: germline.
Comment: The PIEZO1 c.3218G>A; p.Arg1073Gln variant (rs1030312028), to our knowledge, is not reported in the medical literature or gene specific databases. This variant is only observed on two alleles in the Genome Aggregation Database (v2.1.1), indicating it is not a common polymorphism. Computational analyses predict that this variant is neutral (REVEL: 0.061). Due to limited information, the clinical significance of this variant is uncertain at this time.

Revvity Omics, Revvity
Classification: Uncertain significance. Last evaluated: 2021-12-20. Review status: criteria provided, single submitter. Criteria: ACMG Guidelines, 2015. Collection method: clinical testing. Allele origin: germline.

NM_001142864.4(PIEZO1):c.3218G>A (p.Arg1073Gln)

Gene: PIEZO1 (piezo type mechanosensitive ion channel component 1 (Er blood group); minus strand). Cytogenetic location: 16q24.3.
Variant type: single nucleotide variant.
Coding change: c.3218G>A on transcript NM_001142864.4 (MANE Select); coding-DNA position 3218, G replaced by A.
Protein change: p.Arg1073Gln; replaces arginine 1073 with glutamine.
Molecular consequence: missense variant.
Genome position (GRCh38, 1-based): chr16:88,727,640, C>T on the plus strand (G>A on the coding strand, the complement: PIEZO1 is on the minus strand). VCF-style: chr16-88727640-C-T. GRCh37 (hg19) VCF-style: chr16-88794048-C-T.
Other names: c.1760G>A, p.Arg587Gln (NM_014745.1); short protein forms R1073Q, R587Q.
Identifiers: ClinVar variation 2434731 (VCV002434731.5), dbSNP rs1030312028, ClinGen allele CA286414390.
Genomic context (GRCh38, chr16:88,727,640, plus strand): 5'-GCCCGGAAGAAATCAGGCAGGTACAGCCACTTGATGAGTGCGGAGTTCATGGGGACGGCC[C>T]GGCTCCAGCGCCAGGGATAATCTGGGGGAAGGGGTGTCATGTCAGGAAGGGCCGGGCCTG-3'
Protein context (NP_001136336.2, residues 1063-1083): LCIDYPWRWS[Arg1073Gln]AVPMNSALIK